The following is an entry in ClinVar:

NM_078480.3(PUF60):c.1051C>G (p.Pro351Ala)

Gene: PUF60 (poly(U) binding splicing factor 60; minus strand). Cytogenetic location: 8q24.3.
Variant type: single nucleotide variant.
Coding change: c.1051C>G on transcript NM_078480.3 (MANE Select); coding-DNA position 1051, C replaced by G.
Protein change: p.Pro351Ala; replaces proline 351 with alanine.
Molecular consequence: missense variant.
Genome position (GRCh38, 1-based): chr8:143,817,424, G>C on the plus strand (C>G on the coding strand, the complement: PUF60 is on the minus strand). VCF-style: chr8-143817424-G-C. GRCh37 (hg19) VCF-style: chr8-144899594-G-C.
Other names: c.922C>G, p.Pro308Ala (NM_001136033.3); c.997C>G, p.Pro333Ala (NM_001271096.2); c.913C>G, p.Pro305Ala (NM_001271097.2); c.1048C>G, p.Pro350Ala (NM_001271098.2); c.964C>G, p.Pro322Ala (NM_001271099.2); c.871C>G, p.Pro291Ala (NM_001271100.2); c.1162C>G, p.Pro388Ala (NM_001362895.2, NM_001362896.2); c.1111C>G, p.Pro371Ala (NM_001362897.2); and 1 more; short protein forms P291A, P305A, P308A, P322A, P333A, P334A, P350A, P351A.
Identifiers: ClinVar variation 2636369 (VCV002636369.1), dbSNP rs201956893, ClinGen allele CA372488575.

ClinVar aggregate classification (germline): Uncertain significance (1 of 4 stars; one submission).

Conditions:
PUF60-related disorder. Also called: PUF60-related condition.

Submission:

PreventionGenetics, part of Exact Sciences
Classification: Uncertain significance for PUF60-related condition. Last evaluated: 2022-09-02. Review status: criteria provided, single submitter. Criteria: ACMG Guidelines, 2015. Collection method: clinical testing. Allele origin: germline.
Comment: The PUF60 c.1051C>G variant is predicted to result in the amino acid substitution p.Pro351Ala. To our knowledge, this variant has not been reported in the literature or in a large population database, indicating this variant is rare. At this time, the clinical significance of this variant is uncertain due to the absence of conclusive functional and genetic evidence.